The following is an entry in ClinVar:

NM_001258392.3(CLPB):c.242A>G (p.Lys81Arg)

Genes: CLPB (ClpB family mitochondrial disaggregase; minus strand), LOC130006336 (ATAC-STARR-seq lymphoblastoid active region 5191; plus strand). Cytogenetic location: 11q13.4.
Variant type: single nucleotide variant.
Coding change: c.242A>G on transcript NM_001258392.3 (MANE Select); coding-DNA position 242, A replaced by G.
Protein change: p.Lys81Arg; replaces lysine 81 with arginine.
Molecular consequence: missense variant. On other transcripts: 5 prime UTR variant (1).
Genome position (GRCh38, 1-based): chr11:72,434,233, T>C on the plus strand (A>G on the coding strand, the complement: CLPB is on the minus strand). VCF-style: chr11-72434233-T-C. GRCh37 (hg19) VCF-style: chr11-72145277-T-C.
Other names: c.242A>G, p.Lys81Arg (NM_001258393.3, NM_030813.6); c.-1A>G (NM_001258394.3); short protein forms K81R.
Identifiers: ClinVar variation 1516050 (VCV001516050.8), dbSNP rs1293473561, ClinGen allele CA381963202.
Genomic context (GRCh38, chr11:72,434,233, plus strand): 5'-TGTCCTGGGAGTGTTTCTTCGGGACCAGGAAGGCGTCCCCAAGTGGCAGCCGCGAGGCAT[T>C]TGGTATCGAAGCGTCCTCCCTGGCGCCCCCCGGTGGCTGCCCCACGTCCGGAGAACAAGG-3'
Protein context (NP_001245321.1, residues 71-91): GGRQGGRFDT[Lys81Arg]CLAAATWGRL

ClinVar aggregate classification (germline): Uncertain significance (1 of 4 stars; one submission).

Conditions:
3-methylglutaconic aciduria, type VIIB (MGCA7B). Also called: 3-methylglutaconic aciduria with cataracts, neurologic involvement and neutropenia; 3-methylglutaconic aciduria, type VII, with cataracts, neurologic involvement and neutropenia; CLPB Deficiency. Identifiers: Orphanet 445038, MedGen C5676893, MONDO:0014561, OMIM 616271.

Allele frequency attached by ClinVar (database versions not stated): gnomAD exomes below 0.00001 and 0.00001.
gnomAD v4.1: 8 of 1,613,508 alleles (0.0005%); highest among the groups gnomAD compares: Admixed American, 0.0017%; no homozygotes.

Submission:

Labcorp Genetics (formerly Invitae), Labcorp
Classification: Uncertain significance for 3-methylglutaconic aciduria, type VIIB. Last evaluated: 2025-05-06. Review status: criteria provided, single submitter. Criteria: Invitae Variant Classification Sherloc (09022015). Collection method: clinical testing. Allele origin: germline.
Comment: This sequence change replaces lysine, which is basic and polar, with arginine, which is basic and polar, at codon 81 of the CLPB protein (p.Lys81Arg). This variant is present in population databases (no rsID available, gnomAD no frequency). This variant has not been reported in the literature in individuals affected with CLPB-related conditions. ClinVar contains an entry for this variant (Variation ID: 1516050). An algorithm developed to predict the effect of missense changes on protein structure and function (PolyPhen-2) suggests that this variant is likely to be tolerated. In summary, the available evidence is currently insufficient to determine the role of this variant in disease. Therefore, it has been classified as a Variant of Uncertain Significance.